The following is an entry in ClinVar:

ClinVar aggregate classification (germline): Uncertain significance (1 of 4 stars; one submission).

Conditions:
Susceptibility to respiratory infections associated with CD8alpha chain mutation (IMD116). Also called: IMMUNODEFICIENCY 116; Cd8 deficiency, familial. Identifiers: Orphanet 169085, MedGen C1837065, MONDO:0012161, OMIM 608957.

Submission:

Labcorp Genetics (formerly Invitae), Labcorp
Classification: Uncertain significance for Susceptibility to respiratory infections associated with CD8alpha chain mutation. Last evaluated: 2025-05-22. Review status: criteria provided, single submitter. Criteria: Invitae Variant Classification Sherloc (09022015). Collection method: clinical testing. Allele origin: germline.
Comment: This sequence change replaces alanine, which is neutral and non-polar, with threonine, which is neutral and polar, at codon 149 of the CD8A protein (p.Ala149Thr). This variant is not present in population databases (gnomAD no frequency). This variant has not been reported in the literature in individuals affected with CD8A-related conditions. An algorithm developed to predict the effect of missense changes on protein structure and function outputs the following: PolyPhen-2: "Benign". The threonine amino acid residue is found in multiple mammalian species, which suggests that this missense change does not adversely affect protein function. In summary, the available evidence is currently insufficient to determine the role of this variant in disease. Therefore, it has been classified as a Variant of Uncertain Significance.

NM_001768.7(CD8A):c.445G>A (p.Ala149Thr)

Gene: CD8A (CD8 subunit alpha; minus strand). Cytogenetic location: 2p11.2.
Variant type: single nucleotide variant.
Coding change: c.445G>A on transcript NM_001768.7 (MANE Select); coding-DNA position 445, G replaced by A.
Protein change: p.Ala149Thr; replaces alanine 149 with threonine.
Molecular consequence: missense variant. On other transcripts: non-coding transcript variant (3).
Genome position (GRCh38, 1-based): chr2:86,789,709, C>T on the plus strand (G>A on the coding strand, the complement: CD8A is on the minus strand). VCF-style: chr2-86789709-C-T. GRCh37 (hg19) VCF-style: chr2-87016832-C-T.
Other names: c.445G>A, p.Ala149Thr (NM_001145873.1, NM_001382698.1, NM_171827.4); short protein forms A149T.
Identifiers: ClinVar variation 4705851 (VCV004705851.1).